The following continues an entry in ClinVar:

NM_024675.4(PALB2):c.2727_2728del (p.Thr911fs)

Gene: PALB2. ClinVar aggregate classification (germline): Pathogenic/Likely pathogenic. Pathogenic (13); Likely pathogenic (1).

Submissions 14 to 16 of 16:

Human Genome Sequencing Center Clinical Lab, Baylor College of Medicine
Classification: Pathogenic for Familial cancer of breast. Last evaluated: 2018-02-24. Review status: criteria provided, single submitter. Criteria: ACMG Guidelines, 2015. Collection method: clinical testing. Allele origin: germline.
Comment: This c.2727_2728delTT (p.Thr911Leufs*16) frameshift variant in the PALB2 gene is predicted to introduce a premature translation termination codon. This variant has been reported in two unrelated breast cancer patients (PMID 26681312 and 28724667). Moreover, four independent genetic diagnostic laboratories have categorized this variant as pathogenic/likely pathogenic (ClinVar database). Mono-allelic loss of function variants in the PALB2 gene have been associated with susceptibility to breast cancer and pancreatic cancer. Bi-allelic loss of function variants in this gene are associated with Fanconi anemia, complementation group N (OMIM 610832). This variant in the PALB2 gene is classified as pathogenic.

PreventionGenetics, part of Exact Sciences
Classification: Pathogenic for PALB2-related condition. Last evaluated: 2024-03-01. Review status: no assertion criteria provided. Collection method: clinical testing. Allele origin: germline. Not counted in ClinVar's aggregate classification.
Comment: The PALB2 c.2727_2728delTT variant is predicted to result in a frameshift and premature protein termination (p.Thr911Leufs*16). This variant has been reported in individuals with breast cancer (Supplementary Table S3, Sun et al. 2017. PubMed ID: 28724667), exocrine pancreatic neoplasm (Lowery et al. 2018. PubMed ID: 29506128) and ovarian cancer (Supplementary Table 3, Song et al. 2021. PubMed ID: 32546565). This variant was identified in an individual referred for next-generation cancer panel testing and was classified as pathogenic (Supplementary Table S1, Susswein et al. 2016. PubMed ID: 26681312). This variant is reported in 0.00088% of alleles in individuals of European (Non-Finnish) descent in gnomAD and is interpreted as pathogenic in ClinVar. Frameshift variants in PALB2 are expected to be pathogenic. This variant is interpreted as pathogenic.

Laboratory for Genotyping Development, RIKEN
Classification: Pathogenic for Gastric cancer. Last evaluated: 2021-07-01. Review status: no assertion criteria provided. Collection method: research. Allele origin: germline. Not counted in ClinVar's aggregate classification.

Literature cited by the submitters: PubMed 26681312 (cited by 6 submitters); PubMed 28724667 (cited by 5 submitters); PubMed 29506128 (cited by 5 submitters); PubMed 31768816 (cited by Mayo Clinic Laboratories, Mayo Clinic and Color Diagnostics, LLC DBA Color Health); PubMed 32546565 (cited by Mayo Clinic Laboratories, Mayo Clinic and Quest Diagnostics Nichols Institute San Juan Capistrano); PubMed 17200668 (cited by Labcorp Genetics (formerly Invitae), Labcorp); PubMed 17200671 (cited by Labcorp Genetics (formerly Invitae), Labcorp); PubMed 17200672 (cited by Labcorp Genetics (formerly Invitae), Labcorp); PubMed 24136930 (cited by Labcorp Genetics (formerly Invitae), Labcorp); PubMed 25099575 (cited by Labcorp Genetics (formerly Invitae), Labcorp); PubMed 36243179 (cited by Quest Diagnostics Nichols Institute San Juan Capistrano); PubMed 29922827 (cited by Quest Diagnostics Nichols Institute San Juan Capistrano); PubMed 36988593 (cited by Laboratory for Genotyping Development, RIKEN).